The following is an entry in ClinVar:

NM_006516.4(SLC2A1):c.1185del (p.Phe395fs)

Gene: SLC2A1 (solute carrier family 2 member 1; minus strand). Cytogenetic location: 1p34.2.
Variant type: Deletion.
Coding change: c.1185del on transcript NM_006516.4 (MANE Select); coding-DNA position 1185, one base deleted (C; older notation c.1185delC).
Protein change: p.Phe395fs; shifts the reading frame from phenylalanine 395.
Molecular consequence: frameshift variant.
Genome position (GRCh38, 1-based): chr1:42,927,698, G deleted on the plus strand (C on the coding strand, the reverse complement: SLC2A1 is on the minus strand). VCF-style (leftmost placement, unchanged base first): chr1-42927697-TG-T. GRCh37 (hg19) VCF-style: chr1-43393368-TG-T.
Other names: short protein forms F395fs.
Identifiers: ClinVar variation 2202739 (VCV002202739.4), dbSNP rs2524984541, ClinGen allele CA2580062806.
Genomic context (GRCh38, chr1:42,927,697, plus strand): 5'-AATTTGAGGTCCAGTTGGAGAAGCCTGCAACGGCAATGGCAGCTGGACGTGGACCCTGGC[TG>T]AAGAGTTCAGCCACGATGAACCATGGGATGGGGCCAGGACCCACTTCAAAGAAGGCCACA-3'

ClinVar aggregate classification (germline): Pathogenic (1 of 4 stars; one submission).

Conditions:
GLUT1 deficiency syndrome 1, autosomal recessive. Identifiers: MedGen C3149117.

Submission:

Labcorp Genetics (formerly Invitae), Labcorp
Classification: Pathogenic for GLUT1 deficiency syndrome 1, autosomal recessive. Last evaluated: 2022-03-20. Review status: criteria provided, single submitter. Criteria: Invitae Variant Classification Sherloc (09022015). Collection method: clinical testing. Allele origin: germline.
Comment: For these reasons, this variant has been classified as Pathogenic. This variant disrupts a region of the SLC2A1 protein in which other variant(s) (p.Pro485Leu) have been determined to be pathogenic (PMID: 18387950, 19237265, 20129935, 30197081, 32802945). This suggests that this is a clinically significant region of the protein, and that variants that disrupt it are likely to be disease-causing. This frameshift has been observed in individual(s) with Glut1 deficiency syndrome (PMID: 16217704). This variant is not present in population databases (gnomAD no frequency). This sequence change results in a frameshift in the SLC2A1 gene (p.Phe395Leufs*113). While this is not anticipated to result in nonsense mediated decay, it is expected to disrupt the last 98 amino acid(s) of the SLC2A1 protein and extend the protein by 14 additional amino acid residues.

Literature cited by the submitters: PubMed 18387950; PubMed 19237265; PubMed 20129935; PubMed 30197081; PubMed 32802945; PubMed 16217704.